The following is an entry in ClinVar:

NM_000353.3(TAT):c.523_524del (p.Leu175fs)

Genes: TAT (tyrosine aminotransferase; minus strand), LOC111413029 (BRD4-independent group 4 enhancer GRCh37_chr16:71605697-71606896; plus strand). Cytogenetic location: 16q22.2.
Variant type: Microsatellite.
Coding change: c.523_524del on transcript NM_000353.3 (MANE Select); coding-DNA positions 523 to 524, 2 bases deleted (CT; older notation c.523_524delCT).
Protein change: p.Leu175fs; shifts the reading frame from leucine 175.
Molecular consequence: frameshift variant.
Genome position (GRCh38, 1-based): chr16:71,572,573-71,572,574, AG deleted on the plus strand (CT on the coding strand, the reverse complement: TAT is on the minus strand); deleting any 2 consecutive bases within chr16:71,572,573-71,572,576 gives the same sequence; the c. name uses the placement nearest the transcript's 3' end. VCF-style (leftmost placement, unchanged base first): chr16-71572572-CAG-C. GRCh37 (hg19) VCF-style: chr16-71606475-CAG-C.
Other names: short protein forms L175fs.
Identifiers: ClinVar variation 4798409 (VCV004798409.1).

ClinVar aggregate classification (germline): Pathogenic (1 of 4 stars; one submission).

Conditions:
Tyrosinemia type II (TYRSN2). Also called: KERATOSIS PALMOPLANTARIS WITH CORNEAL DYSTROPHY; OREGON TYPE TYROSINEMIA; TAT DEFICIENCY; TYROSINE AMINOTRANSFERASE DEFICIENCY; TYROSINE TRANSAMINASE DEFICIENCY. Identifiers: Orphanet 28378, MedGen C0268487, MONDO:0010160, OMIM 276600.

Submission:

Labcorp Genetics (formerly Invitae), Labcorp
Classification: Pathogenic for Tyrosinemia type II. Last evaluated: 2026-01-12. Review status: criteria provided, single submitter. Criteria: Invitae Variant Classification Sherloc (09022015). Collection method: clinical testing. Allele origin: germline.
Comment: This sequence change creates a premature translational stop signal (p.Leu175Glyfs*2) in the TAT gene. It is expected to result in an absent or disrupted protein product. Loss-of-function variants in TAT are known to be pathogenic (PMID: 9544843). This variant is not present in population databases (gnomAD no frequency). This variant has not been reported in the literature in individuals affected with TAT-related conditions. For these reasons, this variant has been classified as Pathogenic.

Literature cited by the submitters: PubMed 9544843.